The following is an entry in ClinVar:

NM_015335.5(MED13L):c.6301G>A (p.Val2101Ile)

Gene: MED13L (mediator complex subunit 13L; minus strand). Cytogenetic location: 12q24.21.
Variant type: single nucleotide variant.
Coding change: c.6301G>A on transcript NM_015335.5 (MANE Select); coding-DNA position 6301, G replaced by A.
Protein change: p.Val2101Ile; replaces valine 2101 with isoleucine.
Molecular consequence: missense variant.
Genome position (GRCh38, 1-based): chr12:115,966,168, C>T on the plus strand (G>A on the coding strand, the complement: MED13L is on the minus strand). VCF-style: chr12-115966168-C-T. GRCh37 (hg19) VCF-style: chr12-116403973-C-T.
Other names: short protein forms V2101I.
Identifiers: ClinVar variation 2725912 (VCV002725912.3), dbSNP rs747734369, ClinGen allele CA6810402.
Genomic context (GRCh38, chr12:115,966,168, plus strand): 5'-GAGCCTGGGGACACGATGACCAAAACCACTGGGGAAGATTCTCAGCTTTGGCAGTTGATA[C>T]AAAATACCCAAGGGCCAGGGGCTGCTGCTTTAGCTCCTCTGGTGCTTCTCTAGAAAGAAG-3'
Protein context (NP_056150.1, residues 2091-2111): KQQPLALGYF[Val2101Ile]STAKAENLPQ

ClinVar aggregate classification (germline): Uncertain significance (1 of 4 stars; one submission).

Conditions:
Dextro-looped transposition of the great arteries. Also called: Dextrotransposition of the great arteries. Identifiers: Orphanet 860, MedGen C3531771, MONDO:0019443, OMIM 608808, HP:0031348.

Allele frequency attached by ClinVar (database versions not stated): TOPMed below 0.00001.
gnomAD v4.1: 1 of 1,614,134 alleles (0.000062%); highest among the groups gnomAD compares: Non-Finnish European, 0.000085%; no homozygotes.

Submission:

Labcorp Genetics (formerly Invitae), Labcorp
Classification: Uncertain significance for Dextro-looped transposition of the great arteries. Last evaluated: 2024-12-09. Review status: criteria provided, single submitter. Criteria: Invitae Variant Classification Sherloc (09022015). Collection method: clinical testing. Allele origin: germline.
Comment: This sequence change replaces valine, which is neutral and non-polar, with isoleucine, which is neutral and non-polar, at codon 2101 of the MED13L protein (p.Val2101Ile). This variant is present in population databases (rs747734369, gnomAD 0.0009%). This variant has not been reported in the literature in individuals affected with MED13L-related conditions. ClinVar contains an entry for this variant (Variation ID: 2725912). Invitae Evidence Modeling of protein sequence and biophysical properties (such as structural, functional, and spatial information, amino acid conservation, physicochemical variation, residue mobility, and thermodynamic stability) indicates that this missense variant is not expected to disrupt MED13L protein function with a negative predictive value of 80%. In summary, the available evidence is currently insufficient to determine the role of this variant in disease. Therefore, it has been classified as a Variant of Uncertain Significance.